The following is an entry in ClinVar:

NM_001130987.2(DYSF):c.3575-17C>T

Gene: DYSF (dysferlin; plus strand). Cytogenetic location: 2p13.2.
Variant type: single nucleotide variant.
Coding change: c.3575-17C>T on transcript NM_001130987.2 (MANE Select); 17 bases into the intron before coding-DNA position 3575, C replaced by T.
Molecular consequence: intron variant.
Genome position (GRCh38, 1-based): chr2:71,598,547, C>T. VCF-style: chr2-71598547-C-T. GRCh37 (hg19) VCF-style: chr2-71825677-C-T.
Other names: c.3614-17C>T (NM_001130979.2); c.3572-17C>T (NM_001130981.2, NM_001130980.2); c.3521-17C>T (NM_001130978.2, NM_003494.4); c.3479-17C>T (NM_001130977.2, NM_001130976.2); c.3617-17C>T (NM_001130982.2); c.3575-17C>T (NM_001130985.2); c.3524-17C>T (NM_001130983.2, NM_001130455.2); c.3482-17C>T (NM_001130984.2, NM_001130986.2).
Identifiers: ClinVar variation 94306 (VCV000094306.20), dbSNP rs13421969, ClinGen allele CA147745.

ClinVar aggregate classification (germline): Benign. Review status: criteria provided, multiple submitters, no conflicts (2 of 4 stars). 11 submissions from 11 submitters: Benign (8). 3 of the submissions do not count toward it. Last evaluated 2026-03-15.

Conditions:
Neuromuscular disease caused by qualitative or quantitative defects of dysferlin. Also called: Qualitative or quantitative defects of dysferlin; Dysferlinopathy. Identifiers: Orphanet 207073, MedGen C2931687, MONDO:0016145.
Miyoshi muscular dystrophy 1 (MMD1). Identifiers: Orphanet 45448, MedGen C4551973, MONDO:0024545, OMIM 254130.

Allele frequency attached by ClinVar (database versions not stated): 1000 Genomes Project 0.03954; 1000 Genomes Project 30x 0.04138; gnomAD 0.04340; TOPMed 0.04953; ESP Exome Variant Server 0.05382.

Submissions (11):

Women's Health and Genetics/Laboratory Corporation of America, LabCorp
Classification: Benign. Last evaluated: 2026-03-15. Review status: criteria provided, single submitter. Criteria: LabCorp Variant Classification Summary - May 2015. Collection method: clinical testing. Allele origin: germline.

Labcorp Genetics (formerly Invitae), Labcorp
Classification: Benign for Neuromuscular disease caused by qualitative or quantitative defects of dysferlin. Last evaluated: 2026-02-04. Review status: criteria provided, single submitter. Criteria: Invitae Variant Classification Sherloc (09022015). Collection method: clinical testing. Allele origin: germline.

Blueprint Genetics
Classification: Benign. Last evaluated: 2024-11-26. Review status: criteria provided, single submitter. Criteria: ACMG Guidelines, 2015. Collection method: clinical testing. Allele origin: germline.

Genome-Nilou Lab
Classification: Benign for Miyoshi muscular dystrophy 1. Last evaluated: 2021-06-10. Review status: criteria provided, single submitter. Criteria: ACMG Guidelines, 2015. Collection method: clinical testing. Allele origin: germline. Affected: no.

GeneDx
Classification: Benign. Last evaluated: 2016-03-02. Review status: criteria provided, single submitter. Criteria: GeneDx Variant Classification (06012015). Collection method: clinical testing. Allele origin: germline. Affected: yes.
Comment: This variant is considered likely benign or benign based on one or more of the following criteria: it is a conservative change, it occurs at a poorly conserved position in the protein, it is predicted to be benign by multiple in silico algorithms, and/or has population frequency not consistent with disease.

Eurofins Ntd Llc (ga)
Classification: Benign. Last evaluated: 2013-07-29. Review status: criteria provided, single submitter. Criteria: EGL Classification Definitions 2015. Collection method: clinical testing. Allele origin: germline. Observed: 17 variant alleles, 17 heterozygotes.

Breakthrough Genomics
Classification: Benign. Review status: criteria provided, single submitter. Criteria: ACMG Guidelines, 2015. Collection method: not provided. Allele origin: germline. Inheritance: Autosomal recessive inheritance. Affected: yes.

PreventionGenetics, part of Exact Sciences
Classification: Benign. Review status: criteria provided, single submitter. Criteria: ACMG Guidelines, 2015. Collection method: clinical testing. Allele origin: germline.

Clinical Genetics, Academic Medical Center
Classification: Benign. Review status: no assertion criteria provided. Collection method: clinical testing. Allele origin: germline. Affected: yes. Study: VKGL Data-share Consensus. Not counted in ClinVar's aggregate classification.

Genome Diagnostics Laboratory, University Medical Center Utrecht
Classification: Benign. Review status: no assertion criteria provided. Collection method: clinical testing. Allele origin: germline. Affected: yes. Study: VKGL Data-share Consensus. Not counted in ClinVar's aggregate classification.

Laboratory of Diagnostic Genome Analysis, Leiden University Medical Center (LUMC)
Classification: Likely benign. Review status: no assertion criteria provided. Collection method: clinical testing. Allele origin: germline. Affected: yes. Study: VKGL Data-share Consensus. Not counted in ClinVar's aggregate classification.